The following is an entry in ClinVar:

NC_000009.12:g.134818657del

Gene: COL5A1 (collagen type V alpha 1 chain; plus strand). Cytogenetic location: 9q34.3.
Variant type: Deletion.
Genome position: GRCh38 VCF-style: chr9-134818654-AG-A. GRCh37 (hg19) VCF-style: chr9-137710500-AG-A.
Identifiers: ClinVar variation 409114 (VCV000409114.8), dbSNP rs1060502259, ClinGen allele CA16612534.

ClinVar aggregate classification (germline): Pathogenic (1 of 4 stars; one submission).

Conditions:
Ehlers-Danlos syndrome, classic type, 1 (EDSCL1). Also called: Ehlers-Danlos Syndrome, Classic Type, COL5A1-Related; EDS I; EHLERS-DANLOS SYNDROME, GRAVIS TYPE; EHLERS-DANLOS SYNDROME, SEVERE CLASSIC TYPE; Ehlers-Danlos syndrome, type 1. Identifiers: MedGen C0268335, MONDO:0019567, OMIM 130000.

Submission:

Labcorp Genetics (formerly Invitae), Labcorp
Classification: Pathogenic for Ehlers-Danlos syndrome, classic type, 1. Last evaluated: 2016-07-13. Review status: criteria provided, single submitter. Criteria: Invitae Variant Classification Sherloc (09022015). Collection method: clinical testing. Allele origin: germline.
Comment: For these reasons, this variant has been classified as Pathogenic. While this particular variant has not been reported in the literature, loss-of-function variants in COL5A1 are known to be pathogenic (PMID: 23587214). This sequence change deletes 1 nucleotide from exon 55 of the COL5A1 mRNA (c.4232delG), causing a frameshift at codon 1411. This creates a premature translational stop signal (p.Gly1411Glufs*77) and is expected to result in an absent or disrupted protein product.

Literature cited by the submitters: PubMed 23587214.